The following is an entry in ClinVar:

ClinVar aggregate classification (germline): Uncertain significance (1 of 4 stars; one submission).

Conditions:
Cornelia de Lange syndrome 4 (CDLS4). Also called: RAD21-Related Cornelia de Lange Syndrome; CORNELIA DE LANGE SYNDROME 4 WITH OR WITHOUT MIDLINE BRAIN DEFECTS. Identifiers: Orphanet 199, MedGen C3553517, MONDO:0013864, OMIM 614701.

Allele frequency attached by ClinVar (database versions not stated): TOPMed below 0.00001; gnomAD 0.00001.

Submission:

Labcorp Genetics (formerly Invitae), Labcorp
Classification: Uncertain significance for Cornelia de Lange syndrome 4. Last evaluated: 2024-02-23. Review status: criteria provided, single submitter. Criteria: Invitae Variant Classification Sherloc (09022015). Collection method: clinical testing. Allele origin: germline.
Comment: This sequence change replaces lysine, which is basic and polar, with arginine, which is basic and polar, at codon 531 of the RAD21 protein (p.Lys531Arg). This variant is present in population databases (no rsID available, gnomAD 0.007%). This variant has not been reported in the literature in individuals affected with RAD21-related conditions. ClinVar contains an entry for this variant (Variation ID: 1956851). An algorithm developed to predict the effect of missense changes on protein structure and function (PolyPhen-2) suggests that this variant is likely to be tolerated. In summary, the available evidence is currently insufficient to determine the role of this variant in disease. Therefore, it has been classified as a Variant of Uncertain Significance.

NM_006265.3(RAD21):c.1592A>G (p.Lys531Arg)

Gene: RAD21 (RAD21 cohesin complex component; minus strand). Cytogenetic location: 8q24.11.
Variant type: single nucleotide variant.
Coding change: c.1592A>G on transcript NM_006265.3 (MANE Select); coding-DNA position 1592, A replaced by G.
Protein change: p.Lys531Arg; replaces lysine 531 with arginine.
Molecular consequence: missense variant.
Genome position (GRCh38, 1-based): chr8:116,850,646, T>C on the plus strand (A>G on the coding strand, the complement: RAD21 is on the minus strand). VCF-style: chr8-116850646-T-C. GRCh37 (hg19) VCF-style: chr8-117862885-T-C.
Other names: short protein forms K531R.
Identifiers: ClinVar variation 1956851 (VCV001956851.5), dbSNP rs1281760771, ClinGen allele CA371995822.